The following is an entry in ClinVar:

ClinVar aggregate classification (germline): Uncertain significance. Review status: criteria provided, multiple submitters, no conflicts (2 of 4 stars). 2 submissions from 2 submitters: Uncertain significance (2). Last evaluated 2024-10-01.

Conditions:
Marfan syndrome (MFS). Also called: MARFAN SYNDROME, TYPE I; Marfan syndrome type 1; Marfan's syndrome; Marfan syndrome, classic; FBN1-Related Marfan Syndrome. Identifiers: Orphanet 284963, Orphanet 558, MedGen C0024796, MONDO:0007947, OMIM 154700.

Submissions (2):

CeGaT Center for Human Genetics Tuebingen
Classification: Uncertain significance. Last evaluated: 2024-10-01. Review status: criteria provided, single submitter. Criteria: CeGaT Center For Human Genetics Tuebingen Variant Classification Criteria Version 2. Collection method: clinical testing. Allele origin: germline. Affected: yes. Observed: 1 variant allele.
Comment: FBN1: PM2, PP3

Institute of Human Genetics, Cologne University
Classification: Uncertain significance for Marfan syndrome. Last evaluated: 2024-03-06. Review status: criteria provided, single submitter. Criteria: ACMG Guidelines, 2015. Collection method: clinical testing. Allele origin: germline. Affected: yes.

NM_000138.5(FBN1):c.1589-13A>G

Gene: FBN1 (fibrillin 1; minus strand). Cytogenetic location: 15q21.1.
Variant type: single nucleotide variant.
Coding change: c.1589-13A>G on transcript NM_000138.5 (MANE Select); 13 bases into the intron before coding-DNA position 1589, A replaced by G.
Molecular consequence: intron variant.
Genome position (GRCh38, 1-based): chr15:48,510,182, T>C on the plus strand (A>G on the coding strand, the complement: FBN1 is on the minus strand). VCF-style: chr15-48510182-T-C. GRCh37 (hg19) VCF-style: chr15-48802379-T-C.
Other names: c.1589-13A>G (NM_001406716.1).
Identifiers: ClinVar variation 3235258 (VCV003235258.15), dbSNP rs2505606477, ClinGen allele CA2825002277.